The following is an entry in ClinVar:

ClinVar aggregate classification (germline): Uncertain significance. Review status: criteria provided, multiple submitters, no conflicts (2 of 4 stars). 3 submissions from 3 submitters: Uncertain significance (3). Last evaluated 2023-09-01.

Conditions:
Inborn genetic diseases. Identifiers: MedGen C0950123, MeSH D030342.

Allele frequency attached by ClinVar (database versions not stated): gnomAD 0.00001; gnomAD exomes 0.00001; TOPMed 0.00002.

Submissions (3):

CeGaT Center for Human Genetics Tuebingen
Classification: Uncertain significance. Last evaluated: 2023-09-01. Review status: criteria provided, single submitter. Criteria: CeGaT Center For Human Genetics Tuebingen Variant Classification Criteria Version 2. Collection method: clinical testing. Allele origin: germline. Affected: yes. Observed: 1 variant allele.

Ambry Genetics
Classification: Uncertain significance for Inborn genetic diseases. Last evaluated: 2022-12-06. Review status: criteria provided, single submitter. Criteria: Ambry Variant Classification Scheme 2023. Collection method: clinical testing. Allele origin: germline.

Labcorp Genetics (formerly Invitae), Labcorp
Classification: Uncertain significance. Last evaluated: 2021-05-05. Review status: criteria provided, single submitter. Criteria: Invitae Variant Classification Sherloc (09022015). Collection method: clinical testing. Allele origin: germline.
Comment: In summary, the available evidence is currently insufficient to determine the role of this variant in disease. Therefore, it has been classified as a Variant of Uncertain Significance. Algorithms developed to predict the effect of missense changes on protein structure and function are either unavailable or do not agree on the potential impact of this missense change (SIFT: "Deleterious"; PolyPhen-2: "Benign"; Align-GVGD: "Class C0"). This variant has not been reported in the literature in individuals with CASQ1-related conditions. This variant is present in population databases (rs531621501, ExAC 0.006%). This sequence change replaces aspartic acid with histidine at codon 77 of the CASQ1 protein (p.Asp77His). The aspartic acid residue is moderately conserved and there is a moderate physicochemical difference between aspartic acid and histidine.

NM_001231.5(CASQ1):c.229G>C (p.Asp77His)

Gene: CASQ1 (calsequestrin 1; plus strand). Cytogenetic location: 1q23.2.
Variant type: single nucleotide variant.
Coding change: c.229G>C on transcript NM_001231.5 (MANE Select); coding-DNA position 229, G replaced by C.
Protein change: p.Asp77His; replaces aspartic acid 77 with histidine.
Molecular consequence: missense variant.
Genome position (GRCh38, 1-based): chr1:160,190,980, G>C. VCF-style: chr1-160190980-G-C. GRCh37 (hg19) VCF-style: chr1-160160770-G-C.
Other names: c.229G>C (NM_001231.4); short protein forms D77H.
Identifiers: ClinVar variation 1469127 (VCV001469127.33), dbSNP rs531621501, ClinGen allele CA1196098.
Genomic context (GRCh38, chr1:160,190,980, plus strand): 5'-TACAAGAATGTGTTCAAGAAGTATGAGGTGCTGGCACTCCTCTACCATGAACCCCCCGAG[G>C]ATGACAAGGCCTCACAAAGACAATTTGAGATGGAGGAGCTGATCCTGGAGGTGAGTTGGG-3'
Protein context (NP_001222.3, residues 67-87): LALLYHEPPE[Asp77His]DKASQRQFEM